The following is an entry in ClinVar:

NM_024675.4(PALB2):c.1123C>A (p.Leu375Ile)

Gene: PALB2 (partner and localizer of BRCA2; minus strand). Cytogenetic location: 16p12.2.
Variant type: single nucleotide variant.
Coding change: c.1123C>A on transcript NM_024675.4 (MANE Select); coding-DNA position 1123, C replaced by A.
Protein change: p.Leu375Ile; replaces leucine 375 with isoleucine.
Molecular consequence: missense variant.
Genome position (GRCh38, 1-based): chr16:23,635,423, G>T on the plus strand (C>A on the coding strand, the complement: PALB2 is on the minus strand). VCF-style: chr16-23635423-G-T. GRCh37 (hg19) VCF-style: chr16-23646744-G-T.
Other names: short protein forms L375I.
Identifiers: ClinVar variation 187142 (VCV000187142.47), dbSNP rs373298267, ClinGen allele CA196837.

ClinVar aggregate classification (germline): Conflicting classifications of pathogenicity. Review status: criteria provided, conflicting classifications (1 of 4 stars). 14 submissions from 14 submitters: Uncertain significance (9); Likely benign (3). 2 of the submissions do not count toward it. Last evaluated 2026-04-22.

Conditions:
Breast-ovarian cancer, familial, susceptibility to, 5 (BROVCA5). Identifiers: MedGen C5830615, MONDO:0957530, OMIM 620442.
PALB2-related disorder. Also called: PALB2-related condition; PALB2-related disorders.
Hereditary cancer-predisposing syndrome. Also called: Tumor predisposition; Neoplastic Syndromes, Hereditary; Hereditary Cancer Syndrome; Hereditary neoplastic syndrome. Identifiers: Orphanet 140162, MedGen C0027672, MeSH D009386, MONDO:0015356.
Familial cancer of breast. Also called: hereditary breast carcinoma; BREAST CANCER, FAMILIAL; Hereditary breast cancer. Identifiers: Orphanet 227535, MedGen C0346153, MONDO:0016419, OMIM 114480. Disease mechanism: loss of function.

Allele frequency attached by ClinVar (database versions not stated): TOPMed 0.00002; ESP Exome Variant Server 0.00008; gnomAD 0.00001.
gnomAD v4.1: 11 of 1,613,862 alleles (0.00068%); highest among the groups gnomAD compares: Middle Eastern, 0.016%; no homozygotes.

Submissions (14):

Dasa
Classification: Likely benign for Breast-ovarian cancer, familial, susceptibility to, 5. Last evaluated: 2026-04-22. Review status: criteria provided, single submitter. Criteria: DASA Assertion Criteria. Collection method: clinical testing. Allele origin: germline.
Comment: NM_024675.4(PALB2):c.1123C>A (p.Leu375Ile) is a missense variant that results in the substitution of leucine with isoleucine. The variant context is inconsistent with a known disease-causing mechanism. Computational prediction algorithms are consistent with a benign effect. Therefore, based on the currently available evidence, this variant is classified as likely benign.

Labcorp Genetics (formerly Invitae), Labcorp
Classification: Uncertain significance for Familial cancer of breast. Last evaluated: 2026-01-19. Review status: criteria provided, single submitter. Criteria: Invitae Variant Classification Sherloc (09022015). Collection method: clinical testing. Allele origin: germline.
Comment: This sequence change replaces leucine, which is neutral and non-polar, with isoleucine, which is neutral and non-polar, at codon 375 of the PALB2 protein (p.Leu375Ile). This variant is present in population databases (rs373298267, gnomAD 0.002%). This missense change has been observed in individual(s) with breast cancer (PMID: 25186627, 31159747, 35402282). ClinVar contains an entry for this variant (Variation ID: 187142). Invitae Evidence Modeling of protein sequence and biophysical properties (such as structural, functional, and spatial information, amino acid conservation, physicochemical variation, residue mobility, and thermodynamic stability) indicates that this missense variant is not expected to disrupt PALB2 protein function with a negative predictive value of 80%. In summary, the available evidence is currently insufficient to determine the role of this variant in disease. Therefore, it has been classified as a Variant of Uncertain Significance.

PreventionGenetics, part of Exact Sciences
Classification: Uncertain significance for PALB2-related condition. Last evaluated: 2025-05-16. Review status: criteria provided, single submitter. Criteria: ACMG Guidelines, 2015. Collection method: clinical testing. Allele origin: germline.
Comment: The PALB2 c.1123C>A variant is predicted to result in the amino acid substitution p.Leu375Ile. This variant was reported in an individual with Cancer predisposition syndrome (Tsaousis et al 2019. PubMed ID: 31159747), and was reported as a VUS in individuals with breast cancer (Tung et al. 2014. PubMed ID: PMID: 25186627; Abdel-Razeq et al. 2022. PubMed ID: 35402282). This variant is reported in 0.0018% of alleles in individuals of European (Non-Finnish) descent in gnomAD and has conflicting interpretations ranging from likely benign to uncertain in ClinVar. At this time, the clinical significance of this variant is uncertain due to the absence of conclusive functional and genetic evidence.

Color Diagnostics, LLC DBA Color Health
Classification: Uncertain significance for Hereditary cancer-predisposing syndrome. Last evaluated: 2025-03-24. Review status: criteria provided, single submitter. Criteria: ACMG Guidelines, 2015. Collection method: clinical testing. Allele origin: germline.
Comment: This missense variant replaces leucine with isoleucine at codon 375 of the PALB2 protein. Computational prediction suggests that this variant may not impact protein structure and function. To our knowledge, functional studies have not been reported for this variant. This variant has been detected in several individuals and families affected with breast cancer and ovarian cancer (PMID: 25186627, 31159747, 35402282; Nikolaidi A, Papadopoulou K, Tsakiri K, Psoma E, Zevgaridis D, et al. (2020) A Rare Solitary Spinal Cord Metastasis after Epithelial Ovarian Cancer Diagnosis. Clin Oncol Case Rep 3:3). This variant has been detected in a breast cancer case-control meta-analysis in 3/60466 cases and 3/53461 unaffected individuals (PMID: 33471991; Leiden Open Variation Database DB-ID PALB2_010276), and it was also reported in an ovarian cancer case-control study in 1/6115 unaffected control individuals and absent in 6385 cases (PMID: 32546565). A ClinVar report stated that this variant is associated with less severe histories of cancer (ClinVar SCV004019109.1). This variant has been identified in 2/251274 chromosomes in the general population by the Genome Aggregation Database (gnomAD). Although there is a suspicion that this variant may not be associated with disease, additional clinical studies are necessary to determine the role of this variant in disease conclusively. Therefore, this variant is classified as a Variant of Uncertain Significance.

CeGaT Center for Human Genetics Tuebingen
Classification: Uncertain significance. Last evaluated: 2025-02-01. Review status: criteria provided, single submitter. Criteria: CeGaT Center For Human Genetics Tuebingen Variant Classification Criteria Version 2. Collection method: clinical testing. Allele origin: germline. Affected: yes. Observed: 1 variant allele.

Molecular Diagnostics Laboratory, Catalan Institute of Oncology
Classification: Uncertain significance for Hereditary cancer-predisposing syndrome. Last evaluated: 2024-12-04. Review status: criteria provided, single submitter. Criteria: ClinGen ACMG Specifications PALB2 V1.0.0. Collection method: clinical testing. Allele origin: germline.
Comment: BP1 c.1123C>A, located in exon 4 of the PALB2 gene, is predicted to result in the substitution of leucine by isoleucine at codon 375, p.(Leu375Ile). The SpliceAI algorithm predicts no significant impact on splicing and there is a very low likelihood that missense variants are pathogenic in PALB2 (BP1). This variant is found in 2/268133 in the gnomAD v2.1.1 database (non-cancer data set). This variant has been reported in cancer-affected and unaffected individuals in case-control studies (PMID:33471991). To our knowledge, functional studies have not been reported for this variant. The variant has been reported in the ClinVar (7x uncertain significance, 2x likely benign) and the LOVD (1x likely benign, 2x not classified) databases. Based on the currently available information, c.1123C>A is classified as an uncertain significance variant according to ClinGen-PALB2 Guidelines version v1.0.0.

GeneDx
Classification: Uncertain significance. Last evaluated: 2024-11-17. Review status: criteria provided, single submitter. Criteria: GeneDx Variant Classification Process June 2021. Collection method: clinical testing. Allele origin: germline. Affected: yes.
Comment: Not observed at significant frequency in large population cohorts (gnomAD); In silico analysis indicates that this missense variant does not alter protein structure/function; This variant is associated with the following publications: (PMID: 25186627, 31159747, 34326862, 33471991, 35402282, 34284872, NikolaidiA2020[article], 32546565)

Hereditary Cancer Laboratory, Hospital Universitario 12 de Octubre
Classification: Uncertain significance for Hereditary cancer-predisposing syndrome. Last evaluated: 2024-09-05. Review status: criteria provided, single submitter. Criteria: ACMG Guidelines, 2015. Collection method: clinical testing. Allele origin: germline.
Comment: PM2+BP4

Ambry Genetics
Classification: Likely benign for Hereditary cancer-predisposing syndrome. Last evaluated: 2023-12-15. Review status: criteria provided, single submitter. Criteria: Ambry Variant Classification Scheme 2023. Collection method: clinical testing. Allele origin: germline.

Myriad Genetics, Inc.
Classification: Likely benign for Familial cancer of breast. Last evaluated: 2023-03-30. Review status: criteria provided, single submitter. Criteria: Myriad Autosomal Dominant, Autosomal Recessive and X-Linked Classification Criteria (2023). Collection method: clinical testing. Allele origin: unknown.
Comment: This variant is considered likely benign. This variant is strongly associated with less severe personal and family histories of cancer, typical for individuals without pathogenic variants in this gene [PMID: 25085752].

Women's Health and Genetics/Laboratory Corporation of America, LabCorp
Classification: Uncertain significance. Last evaluated: 2021-05-03. Review status: criteria provided, single submitter. Criteria: LabCorp Variant Classification Summary - May 2015. Collection method: clinical testing. Allele origin: germline.
Comment: Variant summary: PALB2 c.1123C>A (p.Leu375Ile) results in a conservative amino acid change in the encoded protein sequence. Five of five in-silico tools predict a benign effect of the variant on protein function. The variant allele was found at a frequency of 8e-06 in 251274 control chromosomes. The available data on variant occurrences in the general population are insufficient to allow any conclusion about variant significance. c.1123C>A has been reported in the literature as a VUS in individuals undergoing multigene panel testing for hereditary cancers (example, Tung_2015, Tsaousis_2019). These report(s) do not provide unequivocal conclusions about association of the variant with Breast Cancer. To our knowledge, no experimental evidence demonstrating an impact on protein function has been reported. Seven clinical diagnostic laboratories have submitted clinical-significance assessments for this variant to ClinVar after 2014 without evidence for independent evaluation. All laboratories classified the variant as uncertain significance. Based on the evidence outlined above, the variant was classified as uncertain significance.

GeneKor MSA
Classification: Uncertain significance for Hereditary cancer-predisposing syndrome. Last evaluated: 2018-08-01. Review status: criteria provided, single submitter. Criteria: ACMG Guidelines, 2015. Collection method: clinical testing. Allele origin: germline. Affected: no.

Leiden Open Variation Database
Classification: Uncertain significance for Familial cancer of breast. Last evaluated: 2019-05-13. Review status: no assertion criteria provided. Collection method: curation. Allele origin: germline. Affected: yes. Not counted in ClinVar's aggregate classification.
Comment: Curators: Marc Tischkowitz, Arleen D. Auerbach. Submitter to LOVD: Marc Tischkowitz.

Counsyl
Classification: Uncertain significance for Familial cancer of breast. Last evaluated: 2016-06-08. Review status: no assertion criteria provided. Collection method: clinical testing. Allele origin: unknown. Not counted in ClinVar's aggregate classification.

Literature cited by the submitters: PubMed 25186627 (cited by 6 submitters); PubMed 31159747 (cited by 4 submitters); PubMed 35402282 (cited by 3 submitters); PubMed 32546565 (cited by Color Diagnostics, LLC DBA Color Health); PubMed 33471991 (cited by Color Diagnostics, LLC DBA Color Health); PubMed 25085752 (cited by Myriad Genetics, Inc.).